The following is an entry in ClinVar:

NM_017760.7(NCAPG2):c.2898A>C (p.Ala966=)

Gene: NCAPG2 (non-SMC condensin II complex subunit G2; minus strand). Cytogenetic location: 7q36.3.
Variant type: single nucleotide variant.
Coding change: c.2898A>C on transcript NM_017760.7 (MANE Select); coding-DNA position 2898, A replaced by C.
Protein change: p.Ala966=; no amino-acid change (alanine 966 retained).
Molecular consequence: synonymous variant. On other transcripts: non-coding transcript variant (1).
Genome position (GRCh38, 1-based): chr7:158,652,329, T>G on the plus strand (A>C on the coding strand, the complement: NCAPG2 is on the minus strand). VCF-style: chr7-158652329-T-G. GRCh37 (hg19) VCF-style: chr7-158445021-T-G.
Other names: c.2898A>C, p.Ala966= (NM_001281932.2, NM_001281933.2).
Identifiers: ClinVar variation 730051 (VCV000730051.27), dbSNP rs201751094, ClinGen allele CA4592433.
Genomic context (GRCh38, chr7:158,652,329, plus strand): 5'-CCCGTCCTGGGGAGTTCTGAGTACCCGCAGGCCTTCTTCCGGCTGCTTCCTGAAGCTCCG[T>G]GCAATACATTCCAACATTTTCTGAAATACTTTCTGGACTGTGTCCAACAGCATTGCAACT-3'
Protein context (NP_060230.5, residues 956-976): KVFQKMLECI[Ala966=]RSFRKQPEEG

ClinVar aggregate classification (germline): Likely benign. Review status: criteria provided, multiple submitters, no conflicts (2 of 4 stars). 2 submissions from 2 submitters: Likely benign (2). Last evaluated 2023-01-01.

Allele frequency attached by ClinVar (database versions not stated): TOPMed 0.00018; 1000 Genomes Project 0.00020; gnomAD 0.00020 and 0.00021; ExAC 0.00022; gnomAD exomes 0.00022; 1000 Genomes Project 30x 0.00031; ESP Exome Variant Server 0.00033.
gnomAD v4.1: 378 of 1,613,962 alleles (0.023%); highest among the groups gnomAD compares: Non-Finnish European, 0.03%; no homozygotes.

Submissions (2):

CeGaT Center for Human Genetics Tuebingen
Classification: Likely benign. Last evaluated: 2023-01-01. Review status: criteria provided, single submitter. Criteria: CeGaT Center For Human Genetics Tuebingen Variant Classification Criteria Version 2. Collection method: clinical testing. Allele origin: germline. Affected: yes. Observed: 1 variant allele.
Comment: NCAPG2: BP4, BP7

Labcorp Genetics (formerly Invitae), Labcorp
Classification: Likely benign. Last evaluated: 2018-09-13. Review status: criteria provided, single submitter. Criteria: Invitae Variant Classification Sherloc (09022015). Collection method: clinical testing. Allele origin: germline.